The following is an entry in ClinVar:

NM_032447.5(FBN3):c.4157G>A (p.Arg1386His)

Gene: FBN3 (fibrillin 3; minus strand). Cytogenetic location: 19p13.2.
Variant type: single nucleotide variant.
Coding change: c.4157G>A on transcript NM_032447.5 (MANE Select); coding-DNA position 4157, G replaced by A.
Protein change: p.Arg1386His; replaces arginine 1386 with histidine.
Molecular consequence: missense variant.
Genome position (GRCh38, 1-based): chr19:8,111,111, C>T on the plus strand (G>A on the coding strand, the complement: FBN3 is on the minus strand). VCF-style: chr19-8111111-C-T. GRCh37 (hg19) VCF-style: chr19-8175995-C-T.
Other names: c.4157G>A, p.Arg1386His (NM_001321431.2); short protein forms R1386H.
Identifiers: ClinVar variation 2113307 (VCV002113307.4), dbSNP rs769711401, ClinGen allele CA9152158.

ClinVar aggregate classification (germline): Uncertain significance (1 of 4 stars; one submission).

Allele frequency attached by ClinVar (database versions not stated): TOPMed below 0.00001; gnomAD exomes 0.00001; ExAC 0.00002.
gnomAD v4.1: 19 of 1,613,370 alleles (0.0012%); highest among the groups gnomAD compares: Non-Finnish European, 0.0014%; no homozygotes.

Submission:

Labcorp Genetics (formerly Invitae), Labcorp
Classification: Uncertain significance. Last evaluated: 2022-09-01. Review status: criteria provided, single submitter. Criteria: Invitae Variant Classification Sherloc (09022015). Collection method: clinical testing. Allele origin: germline.
Comment: In summary, the available evidence is currently insufficient to determine the role of this variant in disease. Therefore, it has been classified as a Variant of Uncertain Significance. Algorithms developed to predict the effect of missense changes on protein structure and function output the following: SIFT: "Not Available"; PolyPhen-2: "Benign"; Align-GVGD: "Not Available". The histidine amino acid residue is found in multiple mammalian species, which suggests that this missense change does not adversely affect protein function. This variant has not been reported in the literature in individuals affected with FBN3-related conditions. The frequency data for this variant in the population databases is considered unreliable, as metrics indicate poor data quality at this position in the gnomAD database. This sequence change replaces arginine, which is basic and polar, with histidine, which is basic and polar, at codon 1386 of the FBN3 protein (p.Arg1386His).